The following is an entry in ClinVar:

ClinVar aggregate classification (germline): Uncertain significance. Review status: criteria provided, multiple submitters, no conflicts (2 of 4 stars). 2 submissions from 2 submitters: Uncertain significance (2). Last evaluated 2026-03-19.

Conditions:
KCNJ13-related condition.

Allele frequency attached by ClinVar (database versions not stated): gnomAD 0.00001; ExAC 0.00002; gnomAD exomes 0.00002 and 0.00004; TOPMed 0.00003.
gnomAD v4.1: 13 of 1,612,800 alleles (0.00081%); highest among the groups gnomAD compares: Admixed American, 0.02%; no homozygotes.

Submissions (2):

PreventionGenetics, part of Exact Sciences
Classification: Uncertain significance for KCNJ13-related condition. Last evaluated: 2026-03-19. Review status: criteria provided, single submitter. Criteria: ACMG Guidelines, 2015. Collection method: clinical testing. Allele origin: germline.
Comment: The KCNJ13 c.22G>C variant is predicted to result in the amino acid substitution p.Val8Leu. To our knowledge, this variant has not been reported in the literature. This variant is reported in 0.032% of alleles in individuals of Latino descent in gnomAD. At this time, the clinical significance of this variant is uncertain due to the absence of conclusive functional and genetic evidence.

Labcorp Genetics (formerly Invitae), Labcorp
Classification: Uncertain significance. Last evaluated: 2025-05-05. Review status: criteria provided, single submitter. Criteria: Invitae Variant Classification Sherloc (09022015). Collection method: clinical testing. Allele origin: germline.
Comment: This sequence change replaces valine, which is neutral and non-polar, with leucine, which is neutral and non-polar, at codon 8 of the KCNJ13 protein (p.Val8Leu). This variant is present in population databases (rs757516316, gnomAD 0.03%). This variant has not been reported in the literature in individuals affected with KCNJ13-related conditions. ClinVar contains an entry for this variant (Variation ID: 953725). An algorithm developed to predict the effect of missense changes on protein structure and function (PolyPhen-2) suggests that this variant is likely to be tolerated. In summary, the available evidence is currently insufficient to determine the role of this variant in disease. Therefore, it has been classified as a Variant of Uncertain Significance.

NM_002242.4(KCNJ13):c.22G>C (p.Val8Leu)

Genes: GIGYF2 (GRB10 interacting GYF protein 2; plus strand), KCNJ13 (potassium inwardly rectifying channel subfamily J member 13; minus strand). Cytogenetic location: 2q37.1.
Variant type: single nucleotide variant.
Coding change: c.22G>C on transcript NM_002242.4 (MANE Select); coding-DNA position 22, G replaced by C.
Protein change: p.Val8Leu; replaces valine 8 with leucine.
Molecular consequence: missense variant. On other transcripts: intron variant (5).
Genome position (GRCh38, 1-based): chr2:232,771,341, C>G on the plus strand (G>C on the coding strand, the complement: KCNJ13 is on the minus strand). VCF-style: chr2-232771341-C-G. GRCh37 (hg19) VCF-style: chr2-233636051-C-G.
Other names: c.22G>C, p.Val8Leu (NM_001172416.1); c.532+9905C>G (NM_001103146.3, NM_015575.4, NM_001103148.2); c.533-5071C>G (NM_001103147.2); c.-23-196G>C (NM_001172417.1); short protein forms V8L.
Identifiers: ClinVar variation 953725 (VCV000953725.10), dbSNP rs757516316, ClinGen allele CA2170096.